The following is an entry in ClinVar:

NM_000132.4(F8):c.2994T>G (p.His998Gln)

Gene: F8 (coagulation factor VIII; minus strand). Cytogenetic location: Xq28.
Variant type: single nucleotide variant.
Coding change: c.2994T>G on transcript NM_000132.4 (MANE Select); coding-DNA position 2994, T replaced by G.
Protein change: p.His998Gln; replaces histidine 998 with glutamine.
Molecular consequence: missense variant.
Genome position (GRCh38, 1-based): chrX:154,930,796, A>C on the plus strand (T>G on the coding strand, the complement: F8 is on the minus strand). VCF-style: chrX-154930796-A-C. GRCh37 (hg19) VCF-style: chrX-154159071-A-C.
Other names: short protein forms H998Q.
Identifiers: ClinVar variation 368119 (VCV000368119.17), dbSNP rs149853218, ClinGen allele CA10568257.

ClinVar aggregate classification (germline): Benign/Likely benign. Review status: criteria provided, multiple submitters, no conflicts (2 of 4 stars). 4 submissions from 4 submitters: Benign (2); Likely benign (2). Last evaluated 2023-09-07.

Conditions:
Hereditary factor VIII deficiency disease (HEMA). Also called: AUTOSOMAL HEMOPHILIA A; HEM A; Factor 8 deficiency, congenital; Hemophilia A, congenital; HEMOPHILIA, CLASSIC; Hemophilia A. Identifiers: Orphanet 98878, MedGen C0019069, MONDO:0010602, OMIM 306700.

Allele frequency attached by ClinVar (database versions not stated): ExAC 0.00140; 1000 Genomes Project 30x 0.00375; gnomAD 0.00388 and 0.00419; 1000 Genomes Project 0.00397; TOPMed 0.00470; ESP Exome Variant Server 0.00559.
gnomAD v4.1: 931 of 1,209,531 alleles (0.077%); highest among the groups gnomAD compares: African/African-American, 1.4%; 6 homozygotes.

Submissions (4):

ARUP Laboratories, Molecular Genetics and Genomics, ARUP Laboratories
Classification: Benign. Last evaluated: 2023-09-07. Review status: criteria provided, single submitter. Criteria: ARUP Molecular Germline Variant Investigation Process 2024. Collection method: clinical testing. Allele origin: germline.

Mendelics
Classification: Benign for Hereditary factor VIII deficiency disease. Last evaluated: 2019-05-28. Review status: criteria provided, single submitter. Criteria: Mendelics Assertion Criteria 2017. Collection method: clinical testing. Allele origin: unknown.

Illumina Laboratory Services, Illumina
Classification: Likely benign for Hereditary factor VIII deficiency disease. Last evaluated: 2017-04-27. Review status: criteria provided, single submitter. Criteria: ICSL Variant Classification Criteria 13 December 2019. Collection method: clinical testing. Allele origin: germline.
Comment: This variant was observed as part of a predisposition screen in an ostensibly healthy population. A literature search was performed for the gene, cDNA change, and amino acid change (where applicable). Publications were found based on this search. The evidence from the literature, in combination with allele frequency data from public databases where available, was sufficient to determine this variant is unlikely to cause disease. Therefore, this variant is classified as likely benign.

Breakthrough Genomics
Classification: Likely benign. Review status: criteria provided, single submitter. Criteria: ACMG Guidelines, 2015. Collection method: not provided. Allele origin: germline. Inheritance: X-linked inheritance. Affected: yes.

Literature cited by the submitters: PubMed 16786531 (cited by Illumina Laboratory Services, Illumina); PubMed 24108539 (cited by Illumina Laboratory Services, Illumina).